The following is an entry in ClinVar:

NM_000466.3(PEX1):c.2331_2332delinsAA (p.Gly778Arg)

Gene: PEX1 (peroxisomal biogenesis factor 1; minus strand). Cytogenetic location: 7q21.2.
Variant type: Indel.
Coding change: c.2331_2332delinsAA on transcript NM_000466.3 (MANE Select); coding-DNA positions 2331 to 2332, CG replaced by AA.
Protein change: p.Gly778Arg; replaces glycine 778 with arginine.
Molecular consequence: missense variant.
Genome position (GRCh38, 1-based): chr7:92,501,974-92,501,975, CG replaced by TT on the plus strand (CG replaced by AA on the coding strand, the reverse complement: PEX1 is on the minus strand). VCF-style: chr7-92501974-CG-TT. GRCh37 (hg19) VCF-style: chr7-92131288-CG-TT.
Other names: c.2160_2161delinsAA, p.Gly721Arg (NM_001282677.2); c.1707_1708delinsAA, p.Gly570Arg (NM_001282678.2); short protein forms G721R, G778R, G570R.
Identifiers: ClinVar variation 4739050 (VCV004739050.1).

ClinVar aggregate classification (germline): Uncertain significance (1 of 4 stars; one submission).

Conditions:
Zellweger spectrum disorders (ZS). Also called: Zellweger syndrome; Zellweger Spectrum Disorder (ZSD); Zellweger Spectrum Disorder; Zellweger Spectrum. Identifiers: Orphanet 912, MedGen C0043459, MONDO:0019609.

Submission:

Labcorp Genetics (formerly Invitae), Labcorp
Classification: Uncertain significance for Zellweger spectrum disorders. Last evaluated: 2025-10-01. Review status: criteria provided, single submitter. Criteria: Invitae Variant Classification Sherloc (09022015). Collection method: clinical testing. Allele origin: germline.
Comment: This sequence change replaces glycine, which is neutral and non-polar, with arginine, which is basic and polar, at codon 778 of the PEX1 protein (p.Gly778Arg). Information on the frequency of this variant in the gnomAD database is not available, as this variant may be reported differently in the database. This variant has not been reported in the literature in individuals affected with PEX1-related conditions. Experimental studies and prediction algorithms are not available or were not evaluated, and the functional significance of this variant is currently unknown. In summary, the available evidence is currently insufficient to determine the role of this variant in disease. Therefore, it has been classified as a Variant of Uncertain Significance.